The following is an entry in ClinVar:

ClinVar aggregate classification (germline): Pathogenic/Likely pathogenic. Review status: criteria provided, multiple submitters, no conflicts (2 of 4 stars). 2 submissions from 2 submitters: Pathogenic (1); Likely pathogenic (1). Last evaluated 2023-09-04.

Conditions:
GTPBP3-related disorders.

Submissions (2):

Labcorp Genetics (formerly Invitae), Labcorp
Classification: Pathogenic. Last evaluated: 2023-09-04. Review status: criteria provided, single submitter. Criteria: Invitae Variant Classification Sherloc (09022015). Collection method: clinical testing. Allele origin: germline.
Comment: This sequence change creates a premature translational stop signal (p.Val346Trpfs*13) in the GTPBP3 gene. It is expected to result in an absent or disrupted protein product. Loss-of-function variants in GTPBP3 are known to be pathogenic (PMID: 25434004). This variant is not present in population databases (gnomAD no frequency). This variant has not been reported in the literature in individuals affected with GTPBP3-related conditions. For these reasons, this variant has been classified as Pathogenic.

Blueprint Genetics
Classification: Likely pathogenic for GTPBP3-related disorders. Last evaluated: 2021-02-16. Review status: criteria provided, single submitter. Criteria: ACMG Guidelines, 2015. Collection method: clinical testing. Allele origin: germline. Affected: yes. Observed: 1 variant allele.

Literature cited by the submitters: PubMed 25434004 (cited by Labcorp Genetics (formerly Invitae), Labcorp).

NM_032620.4(GTPBP3):c.939del (p.Val314fs)

Gene: GTPBP3 (GTP binding protein 3, mitochondrial; plus strand). Cytogenetic location: 19p13.11.
Variant type: Deletion.
Coding change: c.939del on transcript NM_032620.4 (MANE Select); coding-DNA position 939, one base deleted (C; older notation c.939delC).
Protein change: p.Val314fs; shifts the reading frame from valine 314.
Molecular consequence: frameshift variant.
Genome position (GRCh38, 1-based): chr19:17,339,564, C deleted; the last of 3 consecutive C bases (chr19:17,339,562-17,339,564); deleting any one gives the same sequence. VCF-style (leftmost placement, unchanged base first): chr19-17339561-GC-G. GRCh37 (hg19) VCF-style: chr19-17450370-GC-G.
Other names: c.939del, p.Val314fs (NM_001128855.3); c.1005del, p.Val336fs (NM_001195422.1); c.1035del, p.Val346fs (NM_133644.4); short protein forms V314fs, V346fs, V336fs.
Identifiers: ClinVar variation 2897080 (VCV002897080.4), dbSNP rs2513207214, ClinGen allele CA2739276614.